The following is an entry in ClinVar:

ClinVar aggregate classification (germline): Uncertain significance. Review status: criteria provided, multiple submitters, no conflicts (2 of 4 stars). 3 submissions from 3 submitters: Uncertain significance (3). Last evaluated 2025-12-01.

Conditions:
Cystinuria (CSNU). Also called: CYSTINURIA, TYPE I; CYSTINURIA, TYPE II; CYSTINURIA, TYPE III; Cystinuria, non-type I. Identifiers: Orphanet 214, MedGen C0010691, MONDO:0009067, OMIM 220100, HP:0003131.

Allele frequency attached by ClinVar (database versions not stated): ExAC 0.00003; ESP Exome Variant Server 0.00008; TOPMed below 0.00001; gnomAD exomes 0.00001.
gnomAD v4.1: 7 of 1,613,924 alleles (0.00043%); highest among the groups gnomAD compares: South Asian, 0.0022%; no homozygotes.

Submissions (3):

CeGaT Center for Human Genetics Tuebingen
Classification: Uncertain significance. Last evaluated: 2025-12-01. Review status: criteria provided, single submitter. Criteria: CeGaT Center For Human Genetics Tuebingen Variant Classification Criteria Version 2. Collection method: clinical testing. Allele origin: germline. Affected: yes. Observed: 1 variant allele.
Comment: SLC3A1: PM2, PM3

Labcorp Genetics (formerly Invitae), Labcorp
Classification: Uncertain significance for Cystinuria. Last evaluated: 2025-01-23. Review status: criteria provided, single submitter. Criteria: Invitae Variant Classification Sherloc (09022015). Collection method: clinical testing. Allele origin: germline.
Comment: This sequence change replaces glycine, which is neutral and non-polar, with serine, which is neutral and polar, at codon 568 of the SLC3A1 protein (p.Gly568Ser). This variant is present in population databases (rs376639206, gnomAD 0.004%). This missense change has been observed in individual(s) with chronic kidney disease and/or cystinuria (PMID: 15635077, 19782624, 36938085). ClinVar contains an entry for this variant (Variation ID: 2734178). Invitae Evidence Modeling of protein sequence and biophysical properties (such as structural, functional, and spatial information, amino acid conservation, physicochemical variation, residue mobility, and thermodynamic stability) has been performed for this missense variant. However, the output from this modeling did not meet the statistical confidence thresholds required to predict the impact of this variant on SLC3A1 protein function. In summary, the available evidence is currently insufficient to determine the role of this variant in disease. Therefore, it has been classified as a Variant of Uncertain Significance.

Blueprint Genetics
Classification: Uncertain significance. Last evaluated: 2024-07-16. Review status: criteria provided, single submitter. Criteria: ACMG Guidelines, 2015. Collection method: clinical testing. Allele origin: germline.

Literature cited by the submitters: PubMed 15635077 (cited by Labcorp Genetics (formerly Invitae), Labcorp); PubMed 19782624 (cited by Labcorp Genetics (formerly Invitae), Labcorp); PubMed 36938085 (cited by Labcorp Genetics (formerly Invitae), Labcorp).

NM_000341.4(SLC3A1):c.1702G>A (p.Gly568Ser)

Genes: PREPL (prolyl endopeptidase like; minus strand), SLC3A1 (solute carrier family 3 member 1; plus strand). Cytogenetic location: 2p21.
Variant type: single nucleotide variant.
Coding change: c.1702G>A on transcript NM_000341.4 (MANE Select); coding-DNA position 1702, G replaced by A.
Protein change: p.Gly568Ser; replaces glycine 568 with serine.
Molecular consequence: missense variant. On other transcripts: 3 prime UTR variant (10).
Genome position (GRCh38, 1-based): chr2:44,320,283, G>A. VCF-style: chr2-44320283-G-A. GRCh37 (hg19) VCF-style: chr2-44547422-G-A.
Other names: c.*1073C>T (NM_001042385.2, NM_001042386.2, NM_001171603.1 and 7 more transcripts); short protein forms G568S.
Identifiers: ClinVar variation 2734178 (VCV002734178.8), dbSNP rs376639206, ClinGen allele CA1640740.